The following is an entry in ClinVar:

NM_003738.5(PTCH2):c.3185T>G (p.Val1062Gly)

Gene: PTCH2 (patched 2; minus strand). Cytogenetic location: 1p34.1.
Variant type: single nucleotide variant.
Coding change: c.3185T>G on transcript NM_003738.5 (MANE Select); coding-DNA position 3185, T replaced by G.
Protein change: p.Val1062Gly; replaces valine 1062 with glycine.
Molecular consequence: missense variant.
Genome position (GRCh38, 1-based): chr1:44,823,315, A>C on the plus strand (T>G on the coding strand, the complement: PTCH2 is on the minus strand). VCF-style: chr1-44823315-A-C. GRCh37 (hg19) VCF-style: chr1-45288987-A-C.
Other names: c.3185T>G, p.Val1062Gly (NM_001166292.2); short protein forms V1062G.
Identifiers: ClinVar variation 931578 (VCV000931578.3), dbSNP rs1652996959, ClinGen allele CA340106801.

ClinVar aggregate classification (germline): Uncertain significance (1 of 4 stars; one submission).

Conditions:
Basal cell carcinoma, susceptibility to, 1. Also called: BCC1. Identifiers: MedGen C2751544, MONDO:0011556, OMIM 605462.

Allele frequency attached by ClinVar (database versions not stated): gnomAD exomes below 0.00001.
gnomAD v4.1: 2 of 1,614,220 alleles (0.00012%); highest among the groups gnomAD compares: Non-Finnish European, 0.00017%; no homozygotes.

Submission:

Centre for Mendelian Genomics, University Medical Centre Ljubljana
Classification: Uncertain significance for Basal cell carcinoma, susceptibility to, 1. Last evaluated: 2019-09-11. Review status: criteria provided, single submitter. Criteria: ACMG Guidelines, 2015. Collection method: clinical testing. Allele origin: unknown. Affected: yes.
Comment: This variant was classified as: Uncertain significance. The available evidence on this variant's pathogenicity is insufficient or conflicting. The following ACMG criteria were applied in classifying this variant: PM2,PP3.